The following is an entry in ClinVar:

ClinVar aggregate classification (germline): Uncertain significance (1 of 4 stars; one submission).

Allele frequency attached by ClinVar (database versions not stated): gnomAD exomes below 0.00001.

Submission:

Labcorp Genetics (formerly Invitae), Labcorp
Classification: Uncertain significance. Last evaluated: 2023-11-18. Review status: criteria provided, single submitter. Criteria: Invitae Variant Classification Sherloc (09022015). Collection method: clinical testing. Allele origin: germline.
Comment: This sequence change replaces methionine, which is neutral and non-polar, with valine, which is neutral and non-polar, at codon 1943 of the KAT6A protein (p.Met1943Val). This variant is not present in population databases (gnomAD no frequency). This variant has not been reported in the literature in individuals affected with KAT6A-related conditions. Experimental studies and prediction algorithms are not available or were not evaluated, and the functional significance of this variant is currently unknown. In summary, the available evidence is currently insufficient to determine the role of this variant in disease. Therefore, it has been classified as a Variant of Uncertain Significance.

NM_006766.5(KAT6A):c.5827A>G (p.Met1943Val)

Gene: KAT6A (lysine acetyltransferase 6A; minus strand). Cytogenetic location: 8p11.21.
Variant type: single nucleotide variant.
Coding change: c.5827A>G on transcript NM_006766.5 (MANE Select); coding-DNA position 5827, A replaced by G.
Protein change: p.Met1943Val; replaces methionine 1943 with valine.
Molecular consequence: missense variant.
Genome position (GRCh38, 1-based): chr8:41,932,393, T>C on the plus strand (A>G on the coding strand, the complement: KAT6A is on the minus strand). VCF-style: chr8-41932393-T-C. GRCh37 (hg19) VCF-style: chr8-41789911-T-C.
Other names: short protein forms M1943V.
Identifiers: ClinVar variation 2705121 (VCV002705121.3), dbSNP rs2486750436, ClinGen allele CA371060246.
Genomic context (GRCh38, chr8:41,932,393, plus strand): 5'-AGGCCTGGCTCCCCATCATTCCCATCTGCATCTGCATAGGATACTGTGCTGTCTGGTTCA[T>C]GTAGGCAGGGTTACTATGGTAACTGCTGTTCATCATGGGCTGTGTCATTCGATAGCTGTT-3'
Protein context (NP_006757.2, residues 1933-1953): NSSYHSNPAY[Met1943Val]NQTAQYPMQM